The following is an entry in ClinVar:

NM_001267550.2(TTN):c.102368T>G (p.Val34123Gly)

Genes: TTN (titin; minus strand), TTN-AS1 (TTN antisense RNA 1; plus strand). Cytogenetic location: 2q31.2.
Variant type: single nucleotide variant.
Coding change: c.102368T>G on transcript NM_001267550.2 (MANE Select); coding-DNA position 102368, T replaced by G.
Protein change: p.Val34123Gly; replaces valine 34123 with glycine.
Molecular consequence: missense variant.
Genome position (GRCh38, 1-based): chr2:178,534,247, A>C on the plus strand (T>G on the coding strand, the complement: TTN is on the minus strand). VCF-style: chr2-178534247-A-C. GRCh37 (hg19) VCF-style: chr2-179398974-A-C.
Other names: c.97445T>G, p.Val32482Gly (NM_001256850.1); c.75173T>G, p.Val25058Gly (NM_003319.4); c.94664T>G, p.Val31555Gly (NM_133378.4); c.75548T>G, p.Val25183Gly (NM_133432.3); c.75749T>G, p.Val25250Gly (NM_133437.4); short protein forms V34123G, V25058G, V25183G, V31555G, V25250G, V32482G.
Identifiers: ClinVar variation 405177 (VCV000405177.12), dbSNP rs1060500587, ClinGen allele CA16610301.
Genomic context (GRCh38, chr2:178,534,247, plus strand): 5'-ATTATCTGCCCAGAAACTGGGCCAATTTCAATGGATGCCACTTTAACTTTAGCAACACTC[A>C]CTCCCTTCTGAGATCGAATTGCACCACCACAGGAGATCCGGGCTGCTGACACAACCATGT-3'
Protein context (NP_001254479.2, residues 34113-34133): CGGAIRSQKG[Val34123Gly]SVAKVKVASI

ClinVar aggregate classification (germline): Uncertain significance. Review status: criteria provided, multiple submitters, no conflicts (2 of 4 stars). 2 submissions from 2 submitters: Uncertain significance (2). Last evaluated 2026-09-09.

Conditions:
TTN-related disorder. Also called: TTN-related disorders; TTN-related condition; TTN-related disease.
Autosomal recessive limb-girdle muscular dystrophy type 2J (LGMDR10). Also called: Limb-girdle muscular dystrophy, type 2J; MUSCULAR DYSTROPHY, LIMB-GIRDLE, AUTOSOMAL RECESSIVE 10. Identifiers: Orphanet 140922, MedGen C1837342, MONDO:0012127, OMIM 608807.
Dilated cardiomyopathy 1G (CMD1G). Identifiers: Orphanet 154, MedGen C1858763, MONDO:0011400, OMIM 604145.

Allele frequency attached by ClinVar (database versions not stated): TOPMed below 0.00001; gnomAD 0.00001.
gnomAD v4.1: 3 of 1,613,400 alleles (0.00019%); highest among the groups gnomAD compares: African/African-American, 0.004%; no homozygotes.

Submissions (2):

PreventionGenetics, part of Exact Sciences
Classification: Uncertain significance for TTN-related condition. Last evaluated: 2026-09-09. Review status: criteria provided, single submitter. Criteria: ACMG Guidelines, 2015. Collection method: clinical testing. Allele origin: germline.
Comment: The TTN c.102368T>G variant is predicted to result in the amino acid substitution p.Val34123Gly. To our knowledge, this variant has not been reported in the literature or in a large population database (gnomAD), indicating this variant is rare. At this time, the clinical significance of this variant is uncertain due to the absence of conclusive functional and genetic evidence.

Labcorp Genetics (formerly Invitae), Labcorp
Classification: Uncertain significance for Dilated cardiomyopathy 1G; Autosomal recessive limb-girdle muscular dystrophy type 2J. Last evaluated: 2025-07-14. Review status: criteria provided, single submitter. Criteria: Invitae Variant Classification Sherloc (09022015). Collection method: clinical testing. Allele origin: germline.
Comment: This sequence change replaces valine, which is neutral and non-polar, with glycine, which is neutral and non-polar, at codon 34123 of the TTN protein (p.Val34123Gly). This variant is not present in population databases (gnomAD no frequency). This variant has not been reported in the literature in individuals affected with TTN-related conditions. ClinVar contains an entry for this variant (Variation ID: 405177). Experimental studies and prediction algorithms are not available or were not evaluated, and the functional significance of this variant is currently unknown. This variant is located in the M band of TTN (PMID: 25589632). Non-truncating variants in this region may be relevant for neuromuscular disorders, but have not been definitively shown to cause cardiomyopathy (PMID: 23975875). In summary, the available evidence is currently insufficient to determine the role of this variant in disease. Therefore, it has been classified as a Variant of Uncertain Significance.

Literature cited by the submitters: PubMed 25589632 (cited by Labcorp Genetics (formerly Invitae), Labcorp); PubMed 23975875 (cited by Labcorp Genetics (formerly Invitae), Labcorp).